The following is an entry in ClinVar:

NM_000018.4(ACADVL):c.1679-2A>C

Gene: ACADVL (acyl-CoA dehydrogenase very long chain; plus strand). Cytogenetic location: 17p13.1.
Variant type: single nucleotide variant.
Coding change: c.1679-2A>C on transcript NM_000018.4 (MANE Select); the canonical splice acceptor site of the intron before coding-DNA position 1679, A replaced by C.
Molecular consequence: splice acceptor variant.
Genome position (GRCh38, 1-based): chr17:7,224,640, A>C. VCF-style: chr17-7224640-A-C. GRCh37 (hg19) VCF-style: chr17-7127959-A-C.
Other names: c.1748-2A>C (NM_001270447.2); c.1451-2A>C (NM_001270448.2); c.1613-2A>C (NM_001033859.3).
Identifiers: ClinVar variation 5003453 (VCV005003453.1).

ClinVar aggregate classification (germline): Likely pathogenic (1 of 4 stars; one submission).

Conditions:
Very long chain acyl-CoA dehydrogenase deficiency (ACADVLD). Also called: VLCAD Deficiency; Very Long-Chain Acyl-Coenzyme A Dehydrogenase Deficiency. Identifiers: Orphanet 26793, MedGen C3887523, MONDO:0008723, OMIM 201475.

Submission:

Myriad Genetics, Inc.
Classification: Likely pathogenic for Very long chain acyl-CoA dehydrogenase deficiency. Last evaluated: 2026-02-25. Review status: criteria provided, single submitter. Criteria: Myriad Autosomal Dominant, Autosomal Recessive and X-Linked Classification Criteria (2023). Collection method: clinical testing. Allele origin: unknown.
Comment: NM_000018.3(ACADVL):c.1679-2A>C is a variant in a canonical splice site classified as likely pathogenic in the context of very-long-chain acyl-CoA dehydrogenase deficiency. c.1679-2A>C has not been observed in cases with relevant disease. Relevant functional assessments of this variant are not available in the literature. c.1679-2A>C has not been observed in referenced population frequency databases. In summary, NM_000018.3(ACADVL):c.1679-2A>C is a variant in a canonical splice site in a gene where loss of function is a known mechanism of disease and is predicted to disrupt protein function. Please note: this variant was assessed in the context of healthy population screening.